The following is an entry in ClinVar:

NM_002470.4(MYH3):c.3252A>T (p.Lys1084Asn)

Gene: MYH3 (myosin heavy chain 3; minus strand). Cytogenetic location: 17p13.1.
Variant type: single nucleotide variant.
Coding change: c.3252A>T on transcript NM_002470.4 (MANE Select); coding-DNA position 3252, A replaced by T.
Protein change: p.Lys1084Asn; replaces lysine 1084 with asparagine.
Molecular consequence: missense variant.
Genome position (GRCh38, 1-based): chr17:10,638,960, T>A on the plus strand (A>T on the coding strand, the complement: MYH3 is on the minus strand). VCF-style: chr17-10638960-T-A. GRCh37 (hg19) VCF-style: chr17-10542277-T-A.
Other names: short protein forms K1084N.
Identifiers: ClinVar variation 887120 (VCV000887120.5), dbSNP rs1327044875, ClinGen allele CA398153814.

ClinVar aggregate classification (germline): Uncertain significance. Review status: criteria provided, multiple submitters, no conflicts (2 of 4 stars). 3 submissions from 2 submitters: Uncertain significance (3). Last evaluated 2025-07-08.

Conditions:
Freeman-Sheldon syndrome (DA2A). Also called: CRANIOCARPOTARSAL DYSPLASIA; CRANIOCARPOTARSAL DYSTROPHY; WHISTLING FACE-WINDMILL VANE HAND SYNDROME; Arthrogryposis, distal, type 2A (Freeman-Sheldon). Identifiers: Orphanet 2053, MedGen C0265224, MONDO:0008675, OMIM 193700.
Distal arthrogryposis type 2B1 (DA2B1). Also called: Arthrogryposis multiplex congenita distal type II with craniofacial abnormalities. Identifiers: Orphanet 1147, MedGen C5193014, MONDO:0020820, OMIM 601680.

Allele frequency attached by ClinVar (database versions not stated): gnomAD exomes below 0.00001; gnomAD 0.00001; TOPMed 0.00001.
gnomAD v4.1: 3 of 1,614,048 alleles (0.00019%); highest among the groups gnomAD compares: Non-Finnish European, 0.00017%; no homozygotes.

Submissions (3):

Labcorp Genetics (formerly Invitae), Labcorp
Classification: Uncertain significance. Last evaluated: 2025-07-08. Review status: criteria provided, single submitter. Criteria: Invitae Variant Classification Sherloc (09022015). Collection method: clinical testing. Allele origin: germline.
Comment: This sequence change replaces lysine, which is basic and polar, with asparagine, which is neutral and polar, at codon 1084 of the MYH3 protein (p.Lys1084Asn). This variant is not present in population databases (gnomAD no frequency). This variant has not been reported in the literature in individuals affected with MYH3-related conditions. ClinVar contains an entry for this variant (Variation ID: 887120). Invitae Evidence Modeling of protein sequence and biophysical properties (such as structural, functional, and spatial information, amino acid conservation, physicochemical variation, residue mobility, and thermodynamic stability) indicates that this missense variant is not expected to disrupt MYH3 protein function with a negative predictive value of 95%. In summary, the available evidence is currently insufficient to determine the role of this variant in disease. Therefore, it has been classified as a Variant of Uncertain Significance.

Illumina Laboratory Services, Illumina
Classification: Uncertain significance for Freeman-Sheldon syndrome. Last evaluated: 2018-01-13. Review status: criteria provided, single submitter. Criteria: ICSL Variant Classification Criteria 13 December 2019. Collection method: clinical testing. Allele origin: germline.

Illumina Laboratory Services, Illumina
Classification: Uncertain significance for Distal arthrogryposis type 2B1. Last evaluated: 2018-01-13. Review status: criteria provided, single submitter. Criteria: ICSL Variant Classification Criteria 13 December 2019. Collection method: clinical testing. Allele origin: germline.